The following is an entry in ClinVar:

ClinVar aggregate classification (germline): Uncertain significance (1 of 4 stars; one submission).

Conditions:
Inborn genetic diseases. Identifiers: MedGen C0950123, MeSH D030342.

Submission:

Ambry Genetics
Classification: Uncertain significance for Inborn genetic diseases. Last evaluated: 2025-05-02. Review status: criteria provided, single submitter. Criteria: Ambry Variant Classification Scheme 2023. Collection method: clinical testing. Allele origin: germline.
Comment: The p.S980Y variant (also known as c.2939C>A), located in coding exon 13 of the BMPR2 gene, results from a C to A substitution at nucleotide position 2939. The serine at codon 980 is replaced by tyrosine, an amino acid with dissimilar properties. This amino acid position is conserved. In addition, this alteration is predicted to be deleterious by in silico analysis. Based on the available evidence, the clinical significance of this variant remains unclear.

NM_001204.7(BMPR2):c.2939C>A (p.Ser980Tyr)

Gene: BMPR2 (bone morphogenetic protein receptor type 2; plus strand). Cytogenetic location: 2q33.2.
Variant type: single nucleotide variant.
Coding change: c.2939C>A on transcript NM_001204.7 (MANE Select); coding-DNA position 2939, C replaced by A.
Protein change: p.Ser980Tyr; replaces serine 980 with tyrosine.
Molecular consequence: missense variant.
Genome position (GRCh38, 1-based): chr2:202,559,768, C>A. VCF-style: chr2-202559768-C-A. GRCh37 (hg19) VCF-style: chr2-203424491-C-A.
Other names: short protein forms S980Y.
Identifiers: ClinVar variation 3992143 (VCV003992143.1).